The following is an entry in ClinVar:

ClinVar aggregate classification (germline): Pathogenic (1 of 4 stars; one submission).

Conditions:
MHC class II deficiency. Also called: Bare lymphocyte syndrome 2; BLS, TYPE II. Identifiers: Orphanet 572, MedGen C5447452, MONDO:0008855.

Submission:

Labcorp Genetics (formerly Invitae), Labcorp
Classification: Pathogenic for MHC class II deficiency. Last evaluated: 2022-03-19. Review status: criteria provided, single submitter. Criteria: Invitae Variant Classification Sherloc (09022015). Collection method: clinical testing. Allele origin: germline.
Comment: For these reasons, this variant has been classified as Pathogenic. This variant has not been reported in the literature in individuals affected with CIITA-related conditions. This variant is not present in population databases (gnomAD no frequency). This sequence change creates a premature translational stop signal (p.Tyr641Cysfs*107) in the CIITA gene. It is expected to result in an absent or disrupted protein product. Loss-of-function variants in CIITA are known to be pathogenic (PMID: 8402893, 9099848, 26271388).

Literature cited by the submitters: PubMed 8402893; PubMed 9099848; PubMed 26271388.

NM_000246.4(CIITA):c.1922_1923del (p.Tyr641fs)

Gene: CIITA (class II major histocompatibility complex transactivator; plus strand). Cytogenetic location: 16p13.13.
Variant type: Deletion.
Coding change: c.1922_1923del on transcript NM_000246.4 (MANE Select); coding-DNA positions 1922 to 1923, 2 bases deleted (AT; older notation c.1922_1923delAT).
Protein change: p.Tyr641fs; shifts the reading frame from tyrosine 641.
Molecular consequence: frameshift variant. On other transcripts: intron variant (1).
Genome position (GRCh38, 1-based): chr16:10,907,414-10,907,415, AT deleted; deleting any 2 consecutive bases within chr16:10,907,413-10,907,415 gives the same sequence; the c. name uses the placement nearest the transcript's 3' end. VCF-style (leftmost placement, unchanged base first): chr16-10907412-CTA-C. GRCh37 (hg19) VCF-style: chr16-11001269-CTA-C.
Other names: c.1925_1926del, p.Tyr642fs (NM_001286402.1, NM_001379332.1); c.1778_1779del, p.Tyr593fs (NM_001379330.1); c.1775_1776del, p.Tyr592fs (NM_001379331.1); c.1922_1923del, p.Tyr641fs (NM_001379333.1); c.1853_1854del, p.Tyr618fs (NM_001379334.1); c.860-1569_860-1568del (NM_001286403.2); short protein forms Y592fs, Y593fs, Y641fs, Y642fs, Y618fs.
Identifiers: ClinVar variation 2114152 (VCV002114152.4), dbSNP rs2544486476, ClinGen allele CA2580090680.